The following is an entry in ClinVar:

NM_198428.3(BBS9):c.2653G>T (p.Val885Phe)

Gene: BBS9 (Bardet-Biedl syndrome 9; plus strand). Cytogenetic location: 7p14.3.
Variant type: single nucleotide variant.
Coding change: c.2653G>T on transcript NM_198428.3 (MANE Select); coding-DNA position 2653, G replaced by T.
Protein change: p.Val885Phe; replaces valine 885 with phenylalanine.
Molecular consequence: missense variant. On other transcripts: non-coding transcript variant (3), intron variant (2).
Genome position (GRCh38, 1-based): chr7:33,605,215, G>T. VCF-style: chr7-33605215-G-T. GRCh37 (hg19) VCF-style: chr7-33644827-G-T.
Other names: c.2548G>T, p.Val850Phe (NM_001033604.2); c.2638G>T, p.Val880Phe (NM_001033605.2); c.2653G>T, p.Val885Phe (NM_001348036.1); c.2104G>T, p.Val702Phe (NM_001348037.3); c.2380G>T, p.Val794Phe (NM_001348038.3); c.2275G>T, p.Val759Phe (NM_001348039.3); c.2530G>T, p.Val844Phe (NM_001348040.3); c.2518G>T, p.Val840Phe (NM_001348042.3); and 6 more; short protein forms V840F, V702F, V759F, V845F, V885F, V794F, V850F, V728F.
Identifiers: ClinVar variation 853275 (VCV000853275.11), dbSNP rs950624105, ClinGen allele CA156756433.

ClinVar aggregate classification (germline): Uncertain significance. Review status: criteria provided, multiple submitters, no conflicts (2 of 4 stars). 5 submissions from 5 submitters: Uncertain significance (4). 1 of the submissions does not count toward it. Last evaluated 2024-11-05.

Conditions:
BBS9-related disorder. Also called: BBS9-related condition.
Bardet-Biedl syndrome 9 (BBS9). Identifiers: Orphanet 110, MedGen C1859567, MONDO:0014437, OMIM 615986.
Bardet-Biedl syndrome (BBS). Identifiers: Orphanet 110, MedGen C0752166, MONDO:0015229.
Inborn genetic diseases. Identifiers: MedGen C0950123, MeSH D030342.

Allele frequency attached by ClinVar (database versions not stated): gnomAD exomes 0.00001; gnomAD 0.00002; TOPMed 0.00002.
gnomAD v4.1: 14 of 1,612,716 alleles (0.00087%); highest among the groups gnomAD compares: Admixed American, 0.0083%; no homozygotes.

Submissions (5):

Labcorp Genetics (formerly Invitae), Labcorp
Classification: Uncertain significance for Bardet-Biedl syndrome. Last evaluated: 2024-11-05. Review status: criteria provided, single submitter. Criteria: Invitae Variant Classification Sherloc (09022015). Collection method: clinical testing. Allele origin: germline.
Comment: This sequence change replaces valine, which is neutral and non-polar, with phenylalanine, which is neutral and non-polar, at codon 885 of the BBS9 protein (p.Val885Phe). This variant is present in population databases (no rsID available, gnomAD 0.006%). This variant has not been reported in the literature in individuals affected with BBS9-related conditions. ClinVar contains an entry for this variant (Variation ID: 853275). An algorithm developed to predict the effect of missense changes on protein structure and function (PolyPhen-2) suggests that this variant¬†is likely to be tolerated. In summary, the available evidence is currently insufficient to determine the role of this variant in disease. Therefore, it has been classified as a Variant of Uncertain Significance.

Fulgent Genetics
Classification: Uncertain significance for Bardet-Biedl syndrome 9. Last evaluated: 2024-04-16. Review status: criteria provided, single submitter. Criteria: ACMG Guidelines, 2015. Collection method: clinical testing. Allele origin: germline.

Ambry Genetics
Classification: Uncertain significance for Inborn genetic diseases. Last evaluated: 2024-01-29. Review status: criteria provided, single submitter. Criteria: Ambry Variant Classification Scheme 2023. Collection method: clinical testing. Allele origin: germline.

Breakthrough Genomics
Classification: Uncertain significance. Review status: criteria provided, single submitter. Criteria: ACMG Guidelines, 2015. Collection method: not provided. Allele origin: germline. Inheritance: Autosomal recessive inheritance. Affected: yes.

PreventionGenetics, part of Exact Sciences
Classification: Uncertain significance for BBS9-related condition. Last evaluated: 2024-07-03. Review status: no assertion criteria provided. Collection method: clinical testing. Allele origin: germline. Not counted in ClinVar's aggregate classification.
Comment: The BBS9 c.2653G>T variant is predicted to result in the amino acid substitution p.Val885Phe. To our knowledge, this variant has not been reported in the literature. This variant is reported in 0.0056% of alleles in individuals of Latino descent in gnomAD. At this time, the clinical significance of this variant is uncertain due to the absence of conclusive functional and genetic evidence.